The following is an entry in ClinVar:

NM_021815.5(SLC5A7):c.1576A>G (p.Met526Val)

Gene: SLC5A7 (solute carrier family 5 member 7; plus strand). Cytogenetic location: 2q12.3.
Variant type: single nucleotide variant.
Coding change: c.1576A>G on transcript NM_021815.5 (MANE Select); coding-DNA position 1576, A replaced by G.
Protein change: p.Met526Val; replaces methionine 526 with valine.
Molecular consequence: missense variant.
Genome position (GRCh38, 1-based): chr2:108,010,694, A>G. VCF-style: chr2-108010694-A-G. GRCh37 (hg19) VCF-style: chr2-108627150-A-G.
Other names: c.1576A>G, p.Met526Val (NM_001305005.3); c.1261A>G, p.Met421Val (NM_001305006.3); c.835A>G, p.Met279Val (NM_001305007.3); short protein forms M421V, M526V, M279V.
Identifiers: ClinVar variation 2939840 (VCV002939840.3), dbSNP rs2467134500, ClinGen allele CA348114881.

ClinVar aggregate classification (germline): Uncertain significance (1 of 4 stars; one submission).

Conditions:
Congenital myasthenic syndrome 20. Also called: Myasthenic syndrome, congenital, 20, presynaptic. Identifiers: MedGen C4310694, MONDO:0014939, OMIM 617143.
Neuronopathy, distal hereditary motor, type 7A. Also called: HARPER-YOUNG MYOPATHY; HMN VIIA; SPINAL MUSCULAR ATROPHY, DISTAL, WITH VOCAL CORD PARALYSIS; Neuronopathy, distal hereditary motor, type viia; NEURONOPATHY, DISTAL HEREDITARY MOTOR, HARDING TYPE VIIA; NEUROPATHY, DISTAL HEREDITARY MOTOR, HARDING TYPE VIIA. Identifiers: Orphanet 139589, MedGen C1834703, MONDO:0008024, OMIM 158580.

Submission:

Labcorp Genetics (formerly Invitae), Labcorp
Classification: Uncertain significance for Neuronopathy, distal hereditary motor, type 7A; Congenital myasthenic syndrome 20. Last evaluated: 2023-06-27. Review status: criteria provided, single submitter. Criteria: Invitae Variant Classification Sherloc (09022015). Collection method: clinical testing. Allele origin: germline.
Comment: In summary, the available evidence is currently insufficient to determine the role of this variant in disease. Therefore, it has been classified as a Variant of Uncertain Significance. Advanced modeling of protein sequence and biophysical properties (such as structural, functional, and spatial information, amino acid conservation, physicochemical variation, residue mobility, and thermodynamic stability) performed at Invitae indicates that this missense variant is not expected to disrupt SLC5A7 protein function. This variant has not been reported in the literature in individuals affected with SLC5A7-related conditions. This variant is not present in population databases (gnomAD no frequency). This sequence change replaces methionine, which is neutral and non-polar, with valine, which is neutral and non-polar, at codon 526 of the SLC5A7 protein (p.Met526Val).